The following is an entry in ClinVar:

ClinVar aggregate classification (germline): Uncertain significance (1 of 4 stars; one submission).

Conditions:
AFF4-related disorder. Also called: AFF4-related condition.

Submission:

PreventionGenetics, part of Exact Sciences
Classification: Uncertain significance for AFF4-related condition. Last evaluated: 2025-11-12. Review status: criteria provided, single submitter. Criteria: ACMG Guidelines, 2015. Collection method: clinical testing. Allele origin: germline.
Comment: The AFF4 c.1065_1068dupCAAT variant is predicted to result in a frameshift and premature protein termination (p.Phe357Glnfs*11). To our knowledge, this variant has not been reported in the literature or in a large population database (gnomAD), indicating this variant is rare. Loss of function is not an established mechanism of AFF4-related disease; however, the pLI (1.0) for AFF4 may indicate this gene is loss of function intolerant (gnomAD). At this time, the clinical significance of this variant is uncertain due to the absence of conclusive functional and genetic evidence.

NM_014423.4(AFF4):c.1065_1068dup (p.Phe357fs)

Gene: AFF4 (ALF transcription elongation factor 4; minus strand). Cytogenetic location: 5q31.1.
Variant type: Duplication.
Coding change: c.1065_1068dup on transcript NM_014423.4 (MANE Select); coding-DNA positions 1065 to 1068, 4 bases duplicated (CAAT; older notation c.1065_1068dupCAAT).
Protein change: p.Phe357fs; shifts the reading frame from phenylalanine 357.
Molecular consequence: frameshift variant.
Genome position (GRCh38, 1-based): chr5:132,904,387-132,904,390, ATTG duplicated on the plus strand (CAAT on the coding strand, the reverse complement: AFF4 is on the minus strand). VCF-style (leftmost placement, unchanged base first): chr5-132904386-A-AATTG. GRCh37 (hg19) VCF-style: chr5-132240078-A-AATTG.
Other names: short protein forms F357fs.
Identifiers: ClinVar variation 4982864 (VCV004982864.1).